The following is an entry in ClinVar:

NM_000548.5(TSC2):c.3049A>G (p.Asn1017Asp)

Gene: TSC2 (TSC complex subunit 2; plus strand). Cytogenetic location: 16p13.3.
Variant type: single nucleotide variant.
Coding change: c.3049A>G on transcript NM_000548.5 (MANE Select); coding-DNA position 3049, A replaced by G.
Protein change: p.Asn1017Asp; replaces asparagine 1017 with aspartic acid.
Molecular consequence: missense variant.
Genome position (GRCh38, 1-based): chr16:2,079,114, A>G. VCF-style: chr16-2079114-A-G. GRCh37 (hg19) VCF-style: chr16-2129115-A-G.
Other names: c.2917A>G, p.Asn973Asp (NM_001077183.3, NM_001370404.1, NM_001406665.1); c.3049A>G, p.Asn1017Asp (NM_001114382.3); c.2809A>G, p.Asn937Asp (NM_001318827.2); c.2773A>G, p.Asn925Asp (NM_001318829.2); c.2317A>G, p.Asn773Asp (NM_001318831.2, NM_001406687.1, NM_001406688.1); c.2950A>G, p.Asn984Asp (NM_001318832.2); c.2920A>G, p.Asn974Asp (NM_001363528.2, NM_001370405.1, NM_021055.3); c.3046A>G, p.Asn1016Asp (NM_001406663.1, NM_001406664.1); and 18 more; short protein forms N1017D, N439D, N817D, N925D, N967D, N969D, N1016D, N773D.
Identifiers: ClinVar variation 2006356 (VCV002006356.5), dbSNP rs2151432618, ClinGen allele CA394284254.

ClinVar aggregate classification (germline): Uncertain significance. Review status: criteria provided, multiple submitters, no conflicts (2 of 4 stars). 2 submissions from 2 submitters: Uncertain significance (2). Last evaluated 2026-03-07.

Conditions:
Tuberous sclerosis 2 (TSC2). Identifiers: Orphanet 805, MedGen C1860707, MONDO:0013199, OMIM 613254.
Hereditary cancer-predisposing syndrome. Also called: Neoplastic Syndromes, Hereditary; Tumor predisposition; Hereditary Cancer Syndrome; Hereditary neoplastic syndrome. Identifiers: Orphanet 140162, MedGen C0027672, MeSH D009386, MONDO:0015356.

Submissions (2):

Ambry Genetics
Classification: Uncertain significance for Hereditary cancer-predisposing syndrome. Last evaluated: 2026-03-07. Review status: criteria provided, single submitter. Criteria: Ambry Variant Classification Scheme 2023. Collection method: clinical testing. Allele origin: germline.
Comment: The p.N1017D variant (also known as c.3049A>G), located in coding exon 26 of the TSC2 gene, results from an A to G substitution at nucleotide position 3049. The asparagine at codon 1017 is replaced by aspartic acid, an amino acid with highly similar properties. This amino acid position is conserved. In addition, the in silico prediction for this alteration is inconclusive. Based on the available evidence, the clinical significance of this variant remains unclear.

Labcorp Genetics (formerly Invitae), Labcorp
Classification: Uncertain significance for Tuberous sclerosis 2. Last evaluated: 2022-06-14. Review status: criteria provided, single submitter. Criteria: Invitae Variant Classification Sherloc (09022015). Collection method: clinical testing. Allele origin: germline.
Comment: This sequence change replaces asparagine, which is neutral and polar, with aspartic acid, which is acidic and polar, at codon 1017 of the TSC2 protein (p.Asn1017Asp). This variant is not present in population databases (gnomAD no frequency). This variant has not been reported in the literature in individuals affected with TSC2-related conditions. Advanced modeling of protein sequence and biophysical properties (such as structural, functional, and spatial information, amino acid conservation, physicochemical variation, residue mobility, and thermodynamic stability) performed at Invitae indicates that this missense variant is not expected to disrupt TSC2 protein function. In summary, the available evidence is currently insufficient to determine the role of this variant in disease. Therefore, it has been classified as a Variant of Uncertain Significance.